The following is an entry in ClinVar:

ClinVar aggregate classification (germline): Uncertain significance (1 of 4 stars; one submission).

Conditions:
Dyskeratosis congenita. Identifiers: Orphanet 1775, MedGen C0265965, MONDO:0015780.

Submission:

Ambry Genetics
Classification: Uncertain significance for Dyskeratosis congenita. Last evaluated: 2024-09-21. Review status: criteria provided, single submitter. Criteria: Ambry Variant Classification Scheme 2023. Collection method: clinical testing. Allele origin: germline.
Comment: The p.P530S variant (also known as c.1588C>T), located in coding exon 3 of the TERT gene, results from a C to T substitution at nucleotide position 1588. The proline at codon 530 is replaced by serine, an amino acid with similar properties. This amino acid position is conserved. In addition, the in silico prediction for this alteration is inconclusive. Based on the available evidence, the clinical significance of this variant remains unclear.

NM_198253.3(TERT):c.1588C>T (p.Pro530Ser)

Gene: TERT (telomerase reverse transcriptase; minus strand). Cytogenetic location: 5p15.33.
Variant type: single nucleotide variant.
Coding change: c.1588C>T on transcript NM_198253.3 (MANE Select); coding-DNA position 1588, C replaced by T.
Protein change: p.Pro530Ser; replaces proline 530 with serine.
Molecular consequence: missense variant. On other transcripts: non-coding transcript variant (2).
Genome position (GRCh38, 1-based): chr5:1,282,610, G>A on the plus strand (C>T on the coding strand, the complement: TERT is on the minus strand). VCF-style: chr5-1282610-G-A. GRCh37 (hg19) VCF-style: chr5-1282725-G-A.
Other names: c.1588C>T, p.Pro530Ser (NM_001193376.3); short protein forms P530S.
Identifiers: ClinVar variation 3455193 (VCV003455193.1).